The following is an entry in ClinVar:

NC_000005.10:g.112707390G>A

Gene: APC (APC regulator of Wnt signaling pathway; plus strand). Cytogenetic location: 5q22.2.
Variant type: single nucleotide variant.
Genome position: GRCh38 VCF-style: chr5-112707390-G-A. GRCh37 (hg19) VCF-style: chr5-112043087-G-A.
Identifiers: ClinVar variation 1942000 (VCV001942000.6), dbSNP rs1750554761, ClinGen allele CA2580072227.

ClinVar aggregate classification (germline): Uncertain significance (1 of 4 stars; one submission).

Conditions:
Familial adenomatous polyposis 1 (FAP1). Also called: FAMILIAL ADENOMATOUS POLYPOSIS 1, ATTENUATED; POLYPOSIS, ADENOMATOUS INTESTINAL. Identifiers: MedGen C2713442, MONDO:0021056, OMIM 175100. Disease mechanism: loss of function.

Submission:

Labcorp Genetics (formerly Invitae), Labcorp
Classification: Uncertain significance for Familial adenomatous polyposis 1. Last evaluated: 2025-05-18. Review status: criteria provided, single submitter. Criteria: Invitae Variant Classification Sherloc (09022015). Collection method: clinical testing. Allele origin: germline.
Comment: This variant occurs in a non-coding region of the APC gene. It does not change the encoded amino acid sequence of the APC protein. This variant is not present in population databases (gnomAD no frequency). This variant has not been reported in the literature in individuals affected with APC-related conditions. Experimental studies and prediction algorithms are not available or were not evaluated, and the functional significance of this variant is currently unknown. In summary, the available evidence is currently insufficient to determine the role of this variant in disease. Therefore, it has been classified as a Variant of Uncertain Significance.